The following is an entry in ClinVar:

NM_001001557.4(GDF6):c.649G>T (p.Val217Leu)

Gene: GDF6 (growth differentiation factor 6; minus strand). Cytogenetic location: 8q22.1.
Variant type: single nucleotide variant.
Coding change: c.649G>T on transcript NM_001001557.4 (MANE Select); coding-DNA position 649, G replaced by T.
Protein change: p.Val217Leu; replaces valine 217 with leucine.
Molecular consequence: missense variant.
Genome position (GRCh38, 1-based): chr8:96,145,282, C>A on the plus strand (G>T on the coding strand, the complement: GDF6 is on the minus strand). VCF-style: chr8-96145282-C-A. GRCh37 (hg19) VCF-style: chr8-97157510-C-A.
Other names: short protein forms V217L.
Identifiers: ClinVar variation 3750089 (VCV003750089.2).

ClinVar aggregate classification (germline): Uncertain significance (1 of 4 stars; one submission).

Conditions:
Leber congenital amaurosis 17 (LCA17). Identifiers: Orphanet 65, MedGen C3715164, MONDO:0014145, OMIM 615360.
Klippel-Feil syndrome 1, autosomal dominant (KFS1). Also called: CERVICAL VERTEBRAL FUSION, AUTOSOMAL DOMINANT. Identifiers: Orphanet 2345, MedGen C1861689, MONDO:0007306, OMIM 118100.
Microphthalmia, isolated, with coloboma 6 (MCOPCB6). Also called: Microphthalmia with coloboma 6, digenic; Microphthalmia with coloboma 6; MICROPHTHALMIA/COLOBOMA 6. Identifiers: Orphanet 98938, MedGen C3150968, MONDO:0013376, OMIM 613703.
Isolated microphthalmia 4. Identifiers: Orphanet 2542, MedGen C2751307, MONDO:0013130, OMIM 613094.

Submission:

Labcorp Genetics (formerly Invitae), Labcorp
Classification: Uncertain significance for Isolated microphthalmia 4; Leber congenital amaurosis 17; Klippel-Feil syndrome 1, autosomal dominant; Microphthalmia, isolated, with coloboma 6. Last evaluated: 2024-04-01. Review status: criteria provided, single submitter. Criteria: Invitae Variant Classification Sherloc (09022015). Collection method: clinical testing. Allele origin: germline.
Comment: This sequence change replaces valine, which is neutral and non-polar, with leucine, which is neutral and non-polar, at codon 217 of the GDF6 protein (p.Val217Leu). This variant is not present in population databases (gnomAD no frequency). This variant has not been reported in the literature in individuals affected with GDF6-related conditions. Advanced modeling of protein sequence and biophysical properties (such as structural, functional, and spatial information, amino acid conservation, physicochemical variation, residue mobility, and thermodynamic stability) performed at Invitae indicates that this missense variant is not expected to disrupt GDF6 protein function with a negative predictive value of 80%. In summary, the available evidence is currently insufficient to determine the role of this variant in disease. Therefore, it has been classified as a Variant of Uncertain Significance.